The following is an entry in ClinVar:

NM_020937.4(FANCM):c.1745A>C (p.Gln582Pro)

Gene: FANCM (FA complementation group M; plus strand). Cytogenetic location: 14q21.2.
Variant type: single nucleotide variant.
Coding change: c.1745A>C on transcript NM_020937.4 (MANE Select); coding-DNA position 1745, A replaced by C.
Protein change: p.Gln582Pro; replaces glutamine 582 with proline.
Molecular consequence: missense variant.
Genome position (GRCh38, 1-based): chr14:45,164,522, A>C. VCF-style: chr14-45164522-A-C. GRCh37 (hg19) VCF-style: chr14-45633725-A-C.
Other names: c.1667A>C, p.Gln556Pro (NM_001308133.2); c.1745A>C, p.Gln582Pro (NM_001308134.2); short protein forms Q556P, Q582P.
Identifiers: ClinVar variation 5036553 (VCV005036553.1).
Genomic context (GRCh38, chr14:45,164,522, plus strand): 5'-ATTCCCAGAAGAGCCCAATTCGTCTTGTACAACGAATGGGTAGAACTGGCCGTAAACGTC[A>C]AGGCAGGATAGTTATTATCCTTTCTGAAGGACGAGAGGAACGTGTAAGTAGAGCTGCAGA-3'
Protein context (NP_065988.1, residues 572-592): QRMGRTGRKR[Gln582Pro]GRIVIILSEG

ClinVar aggregate classification (germline): Uncertain significance (1 of 4 stars; one submission).

Conditions:
Inborn genetic diseases. Identifiers: MedGen C0950123, MeSH D030342.

Submission:

Ambry Genetics
Classification: Uncertain significance for Inborn genetic diseases. Last evaluated: 2026-06-15. Review status: criteria provided, single submitter. Criteria: Ambry Variant Classification Scheme 2023. Collection method: clinical testing. Allele origin: germline.
Comment: The p.Q582P variant (also known as c.1745A>C), located in coding exon 10 of the FANCM gene, results from an A to C substitution at nucleotide position 1745. The glutamine at codon 582 is replaced by proline, an amino acid with similar properties. This amino acid position is conserved. In addition, this alteration is predicted to be tolerated by in silico analysis. Based on the available evidence, the clinical significance of this variant remains unclear.